The following is an entry in ClinVar:

ClinVar aggregate classification (germline): Uncertain significance (1 of 4 stars; one submission).

Allele frequency attached by ClinVar (database versions not stated): ExAC 0.00001; gnomAD exomes 0.00001 and 0.00003.
gnomAD v4.1: 39 of 1,613,976 alleles (0.0024%); highest among the groups gnomAD compares: Non-Finnish European, 0.0032%; no homozygotes.

Submission:

ARUP Laboratories, Molecular Genetics and Genomics, ARUP Laboratories
Classification: Uncertain significance. Last evaluated: 2018-10-15. Review status: criteria provided, single submitter. Criteria: ARUP Molecular Germline Variant Investigation Process. Collection method: clinical testing. Allele origin: germline.
Comment: The DHTKD1 c.2234A>G; p.Tyr745Cys variant (rs754487112), to our knowledge, is not reported in the medical literature or gene specific databases. This variant is only observed on two alleles in the Genome Aggregation Database, indicating it is not a common polymorphism. The tyrosine at codon 745 is highly conserved, and computational analyses (SIFT, PolyPhen-2) predict that this variant is deleterious. Due to limited information, the clinical significance of the p.Tyr745Cys variant is uncertain at this time.

NM_018706.7(DHTKD1):c.2234A>G (p.Tyr745Cys)

Gene: DHTKD1 (dehydrogenase E1 and transketolase domain containing 1; plus strand). Cytogenetic location: 10p14.
Variant type: single nucleotide variant.
Coding change: c.2234A>G on transcript NM_018706.7 (MANE Select); coding-DNA position 2234, A replaced by G.
Protein change: p.Tyr745Cys; replaces tyrosine 745 with cysteine.
Molecular consequence: missense variant.
Genome position (GRCh38, 1-based): chr10:12,112,979, A>G. VCF-style: chr10-12112979-A-G. GRCh37 (hg19) VCF-style: chr10-12154978-A-G.
Other names: short protein forms Y745C.
Identifiers: ClinVar variation 811164 (VCV000811164.8), dbSNP rs754487112, ClinGen allele CA5408179.
Genomic context (GRCh38, chr10:12,112,979, plus strand): 5'-AGGGGGTGGACGGAGACACTGTGAACATGTTTGTGGTTCACCCAACAACTCCTGCACAGT[A>G]TTTCCACTTGCTTAGGAGACAGATGGTCCGGAACTTCAGAAAACCACTCATTGTTGCTTC-3'
Protein context (NP_061176.4, residues 735-755): FVVHPTTPAQ[Tyr745Cys]FHLLRRQMVR